The following is an entry in ClinVar:

ClinVar aggregate classification (germline): Uncertain significance. Review status: criteria provided, multiple submitters, no conflicts (2 of 4 stars). 2 submissions from 2 submitters: Uncertain significance (2). Last evaluated 2022-07-15.

Conditions:
Primary ciliary dyskinesia. Also called: Ciliary dyskinesia. Identifiers: Orphanet 244, MedGen C0008780, MONDO:0016575, HP:0012265.

Allele frequency attached by ClinVar (database versions not stated): gnomAD exomes below 0.00001; gnomAD 0.00002; TOPMed 0.00002.
gnomAD v4.1: 4 of 1,591,682 alleles (0.00025%); highest among the groups gnomAD compares: African/African-American, 0.0014%; no homozygotes.

Submissions (2):

Blueprint Genetics
Classification: Uncertain significance. Last evaluated: 2022-07-15. Review status: criteria provided, single submitter. Criteria: ACMG Guidelines, 2015. Collection method: clinical testing. Allele origin: germline.

Labcorp Genetics (formerly Invitae), Labcorp
Classification: Uncertain significance for Ciliary dyskinesia. Last evaluated: 2018-05-03. Review status: criteria provided, single submitter. Criteria: Invitae Variant Classification Sherloc (09022015). Collection method: clinical testing. Allele origin: germline.
Comment: This sequence change replaces lysine with asparagine at codon 723 of the DNAH11 protein (p.Lys723Asn). The lysine residue is moderately conserved and there is a moderate physicochemical difference between lysine and asparagine. This variant also falls at the last nucleotide of exon 12 of the DNAH11 coding sequence, which is part of the consensus splice site for this exon. This variant is not present in population databases (ExAC no frequency). This variant has not been reported in the literature in individuals with DNAH11-related disease. Algorithms developed to predict the effect of missense changes on protein structure and function do not agree on the potential impact of this missense change (SIFT: "Tolerated"; PolyPhen-2: "Possibly Damaging"; Align-GVGD: "Class C0"). Nucleotide substitutions within the consensus splice site are a relatively common cause of aberrant splicing (PMID: 17576681, 9536098). Algorithms developed to predict the effect of sequence changes on RNA splicing suggest that this variant may disrupt the consensus splice site, but this prediction has not been confirmed by published transcriptional studies. In summary, the available evidence is currently insufficient to determine the role of this variant in disease. Therefore, it has been classified as a Variant of Uncertain Significance.

NM_001277115.2(DNAH11):c.2169G>C (p.Lys723Asn)

Gene: DNAH11 (dynein axonemal heavy chain 11; plus strand). Cytogenetic location: 7p15.3.
Variant type: single nucleotide variant.
Coding change: c.2169G>C on transcript NM_001277115.2 (MANE Select); coding-DNA position 2169, G replaced by C.
Protein change: p.Lys723Asn; replaces lysine 723 with asparagine.
Molecular consequence: missense variant.
Genome position (GRCh38, 1-based): chr7:21,589,403, G>C. VCF-style: chr7-21589403-G-C. GRCh37 (hg19) VCF-style: chr7-21629021-G-C.
Other names: short protein forms K723N.
Identifiers: ClinVar variation 574398 (VCV000574398.2), dbSNP rs1342718835, ClinGen allele CA366941162.